The following is an entry in ClinVar:

ClinVar aggregate classification (germline): Uncertain significance. Review status: criteria provided, multiple submitters, no conflicts (2 of 4 stars). 3 submissions from 3 submitters: Uncertain significance (3). Last evaluated 2022-09-26.

Conditions:
5-Oxoprolinase deficiency (OPLAHD). Also called: 5-OXOPROLINURIA DUE TO 5-OXOPROLINASE DEFICIENCY. Identifiers: Orphanet 33572, MedGen C0268525, MONDO:0009825, OMIM 260005, HP:0040142.

Allele frequency attached by ClinVar (database versions not stated): gnomAD exomes 0.00003 and 0.00004; TOPMed 0.00004; ExAC 0.00006; gnomAD 0.00007; 1000 Genomes Project 30x 0.00016; 1000 Genomes Project 0.00020.

Submissions (3):

Ambry Genetics
Classification: Uncertain significance. Last evaluated: 2022-09-26. Review status: criteria provided, single submitter. Criteria: Ambry Variant Classification Scheme 2023. Collection method: clinical testing. Allele origin: germline.

Fulgent Genetics
Classification: Uncertain significance for 5-Oxoprolinase deficiency. Last evaluated: 2021-09-28. Review status: criteria provided, single submitter. Criteria: ACMG Guidelines, 2015. Collection method: clinical testing. Allele origin: unknown.

Labcorp Genetics (formerly Invitae), Labcorp
Classification: Uncertain significance for 5-Oxoprolinase deficiency. Last evaluated: 2019-08-02. Review status: criteria provided, single submitter. Criteria: Invitae Variant Classification Sherloc (09022015). Collection method: clinical testing. Allele origin: germline.
Comment: This sequence change replaces arginine with glutamine at codon 91 of the OPLAH protein (p.Arg91Gln). The arginine residue is highly conserved and there is a small physicochemical difference between arginine and glutamine. This variant is present in population databases (rs554854985, ExAC 0.04%). This variant has not been reported in the literature in individuals with OPLAH-related conditions. Algorithms developed to predict the effect of missense changes on protein structure and function are either unavailable or do not agree on the potential impact of this missense change (SIFT: "Deleterious"; PolyPhen-2: "Benign"; Align-GVGD: "Class C35"). In summary, the available evidence is currently insufficient to determine the role of this variant in disease. Therefore, it has been classified as a Variant of Uncertain Significance.

NM_017570.5(OPLAH):c.272G>A (p.Arg91Gln)

Gene: OPLAH (5-oxoprolinase, ATP-hydrolysing; minus strand). Cytogenetic location: 8q24.3.
Variant type: single nucleotide variant.
Coding change: c.272G>A on transcript NM_017570.5 (MANE Select); coding-DNA position 272, G replaced by A.
Protein change: p.Arg91Gln; replaces arginine 91 with glutamine.
Molecular consequence: missense variant.
Genome position (GRCh38, 1-based): chr8:144,059,690, C>T on the plus strand (G>A on the coding strand, the complement: OPLAH is on the minus strand). VCF-style: chr8-144059690-C-T. GRCh37 (hg19) VCF-style: chr8-145114593-C-T.
Other names: c.272G>A (NM_017570.3); short protein forms R91Q.
Identifiers: ClinVar variation 958883 (VCV000958883.5), dbSNP rs554854985, ClinGen allele CA4932338.